The following is an entry in ClinVar:

ClinVar aggregate classification (germline): Uncertain significance (0 of 4 stars; one submission).

Conditions:
SH2B1-related disorder. Also called: SH2B1-related condition.

gnomAD v4.1: 4 of 1,614,038 alleles (0.00025%); highest among the groups gnomAD compares: Admixed American, 0.0017%; no homozygotes.

Submission:

PreventionGenetics, part of Exact Sciences
Classification: Uncertain significance for SH2B1-related condition. Last evaluated: 2024-03-05. Review status: no assertion criteria provided. Collection method: clinical testing. Allele origin: germline.
Comment: The SH2B1 c.1057G>A variant is predicted to result in the amino acid substitution p.Glu353Lys. This variant has been reported as de novo in an individual from a large autism cohort study (Supplemental Data 1, Zhou et al. 2022. PubMed ID: 35982159). This variant is reported in 0.0029% of alleles in individuals of Latino descent in gnomAD. At this time, the clinical significance of this variant is uncertain due to the absence of conclusive functional and genetic evidence.

NM_001387430.1(SH2B1):c.1057G>A (p.Glu353Lys)

Gene: SH2B1 (SH2B adaptor protein 1; plus strand). Cytogenetic location: 16p11.2.
Variant type: single nucleotide variant.
Coding change: c.1057G>A on transcript NM_001387430.1 (MANE Select); coding-DNA position 1057, G replaced by A.
Protein change: p.Glu353Lys; replaces glutamic acid 353 with lysine.
Molecular consequence: missense variant.
Genome position (GRCh38, 1-based): chr16:28,869,021, G>A. VCF-style: chr16-28869021-G-A. GRCh37 (hg19) VCF-style: chr16-28880342-G-A.
Other names: c.1057G>A, p.Glu353Lys (NM_001145795.2, NM_001145796.2, NM_001145797.2 and 4 more transcripts); c.49G>A, p.Glu17Lys (NM_001308294.2); short protein forms E17K, E353K.
Identifiers: ClinVar variation 3351566 (VCV003351566.1).
Genomic context (GRCh38, chr16:28,869,021, plus strand): 5'-CCTCCCTGCCCCTGCCCCAGCTGAGGCGTCGTCTCATCTCTGTAGGTGGAAGGTCCATCC[G>A]AGTATATCATGGAGACAGTGGATGCCCAGCATGTGAAGGCCTGGGTGTCTGACATCCAAG-3'
Protein context (NP_001374359.1, residues 343-363): TFVVKVEGPS[Glu353Lys]YIMETVDAQH